The following is an entry in ClinVar:

ClinVar aggregate classification (germline): Uncertain significance (1 of 4 stars; one submission).

Conditions:
Hereditary cancer-predisposing syndrome. Also called: Tumor predisposition; Hereditary neoplastic syndrome; Hereditary Cancer Syndrome; Neoplastic Syndromes, Hereditary. Identifiers: Orphanet 140162, MedGen C0027672, MeSH D009386, MONDO:0015356.

Submission:

Ambry Genetics
Classification: Uncertain significance for Hereditary cancer-predisposing syndrome. Last evaluated: 2025-04-29. Review status: criteria provided, single submitter. Criteria: Ambry Variant Classification Scheme 2023. Collection method: clinical testing. Allele origin: germline.
Comment: The p.A1080P variant (also known as c.3238G>C), located in coding exon 19 of the PTCH1 gene, results from a G to C substitution at nucleotide position 3238. The alanine at codon 1080 is replaced by proline, an amino acid with highly similar properties. This amino acid position is conserved. In addition, this alteration is predicted to be deleterious by in silico analysis. Based on the available evidence, the clinical significance of this variant remains unclear.

NM_000264.5(PTCH1):c.3238G>C (p.Ala1080Pro)

Gene: PTCH1 (patched 1; minus strand). Cytogenetic location: 9q22.32.
Variant type: single nucleotide variant.
Coding change: c.3238G>C on transcript NM_000264.5 (MANE Select); coding-DNA position 3238, G replaced by C.
Protein change: p.Ala1080Pro; replaces alanine 1080 with proline.
Molecular consequence: missense variant. On other transcripts: non-coding transcript variant (1).
Genome position (GRCh38, 1-based): chr9:95,456,344, C>G on the plus strand (G>C on the coding strand, the complement: PTCH1 is on the minus strand). VCF-style: chr9-95456344-C-G. GRCh37 (hg19) VCF-style: chr9-98218626-C-G.
Other names: c.3040G>C, p.Ala1014Pro (NM_001083602.3); c.3235G>C, p.Ala1079Pro (NM_001083603.3); c.2785G>C, p.Ala929Pro (NM_001083604.3, NM_001083605.3, NM_001083606.3 and 1 more transcripts); c.3082G>C, p.Ala1028Pro (NM_001354918.2); short protein forms A1028P, A929P, A1014P, A1079P, A1080P.
Identifiers: ClinVar variation 3939958 (VCV003939958.1).
Genomic context (GRCh38, chr9:95,456,344, plus strand): 5'-CGTGAACGGTGAACTCCACTCCTATGCCAACAGAAGCGATCAGGATGACCACGGGCACGG[C>G]ACTGAGCTTGATTCCGATGAGGCCCATCATGCCGAACAGCTCGACCGTCATCAGCGCCAG-3'
Protein context (NP_000255.2, residues 1070-1090): MMGLIGIKLS[Ala1080Pro]VPVVILIASV